The following is an entry in ClinVar:

NM_001330574.2(ZNF711):c.964G>A (p.Glu322Lys)

Gene: ZNF711 (ZFX family zinc finger ZNF711; plus strand). Cytogenetic location: Xq21.1.
Variant type: single nucleotide variant.
Coding change: c.964G>A on transcript NM_001330574.2 (MANE Select); coding-DNA position 964, G replaced by A.
Protein change: p.Glu322Lys; replaces glutamic acid 322 with lysine.
Molecular consequence: missense variant. On other transcripts: intron variant (5).
Genome position (GRCh38, 1-based): chrX:85,267,325, G>A. VCF-style: chrX-85267325-G-A. GRCh37 (hg19) VCF-style: chrX-84522331-G-A.
Other names: c.964G>A, p.Glu322Lys (NM_001375432.1, NM_001375433.1, NM_001375431.1); c.917-969G>A (NM_001375435.1, NM_001375436.1, NM_001375437.1 and 2 more transcripts); short protein forms E322K.
Identifiers: ClinVar variation 5017734 (VCV005017734.1).
Genomic context (GRCh38, chrX:85,267,325, plus strand): 5'-TTCTAAAATTTAGGTTGCGCTGAAATAGCAGATGAAGTTTACATGGAAGTCATTGTAGGG[G>A]AAGAGGAAGGAACTTCTCTCCCTGAGATTCAGCTTGAGGACTCTGATGTTAATAAAACAG-3'
Protein context (NP_001317503.1, residues 312-332): DEVYMEVIVG[Glu322Lys]EEGTSLPEIQ

ClinVar aggregate classification (germline): Uncertain significance (1 of 4 stars; one submission).

Submission:

GeneDx
Classification: Uncertain significance. Last evaluated: 2026-03-31. Review status: criteria provided, single submitter. Criteria: GeneDx Variant Classification Process June 2021. Collection method: clinical testing. Allele origin: germline.
Comment: Not observed at significant frequency in large population cohorts (gnomAD); In silico analysis suggests that this missense variant does not alter protein structure/function; Has not been previously published as pathogenic or benign to our knowledge; Reported using an alternate transcript of the gene